The following is an entry in ClinVar:

ClinVar aggregate classification (germline): Uncertain significance (1 of 4 stars; one submission).

Allele frequency attached by ClinVar (database versions not stated): gnomAD exomes below 0.00001.
gnomAD v4.1: 1 of 1,613,770 alleles (0.000062%); highest among the groups gnomAD compares: African/African-American, 0.0013%; no homozygotes.

Submission:

Labcorp Genetics (formerly Invitae), Labcorp
Classification: Uncertain significance. Last evaluated: 2023-08-04. Review status: criteria provided, single submitter. Criteria: Invitae Variant Classification Sherloc (09022015). Collection method: clinical testing. Allele origin: germline.
Comment: In summary, the available evidence is currently insufficient to determine the role of this variant in disease. Therefore, it has been classified as a Variant of Uncertain Significance. Variants that disrupt the consensus splice site are a relatively common cause of aberrant splicing (PMID: 17576681, 9536098). Algorithms developed to predict the effect of sequence changes on RNA splicing suggest that this variant may disrupt the consensus splice site. ClinVar contains an entry for this variant (Variation ID: 2021184). This variant has not been reported in the literature in individuals affected with DTNBP1-related conditions. This variant is not present in population databases (gnomAD no frequency). This sequence change falls in intron 5 of the DTNBP1 gene. It does not directly change the encoded amino acid sequence of the DTNBP1 protein. It affects a nucleotide within the consensus splice site.

Literature cited by the submitters: PubMed 17576681; PubMed 9536098.

NM_032122.5(DTNBP1):c.356-3C>A

Gene: DTNBP1 (dystrobrevin binding protein 1; minus strand). Cytogenetic location: 6p22.3.
Variant type: single nucleotide variant.
Coding change: c.356-3C>A on transcript NM_032122.5 (MANE Select); 3 bases into the intron before coding-DNA position 356, C replaced by A.
Molecular consequence: intron variant.
Genome position (GRCh38, 1-based): chr6:15,615,402, G>T on the plus strand (C>A on the coding strand, the complement: DTNBP1 is on the minus strand). VCF-style: chr6-15615402-G-T. GRCh37 (hg19) VCF-style: chr6-15615633-G-T.
Other names: c.251-3C>A (NM_001271669.2); c.305-3C>A (NM_001271668.2); c.113-3C>A (NM_001271667.2); c.356-3C>A (NM_183040.2).
Identifiers: ClinVar variation 2021184 (VCV002021184.4), dbSNP rs925025418, ClinGen allele CA134865891.
Genomic context (GRCh38, chr6:15,615,402, plus strand): 5'-AAGTCTTCCAGATGCAGCAGGTTGTTCTCTACCTCCTCAAAACTCGCCTCTAAATGAGCT[G>T]AAAGTATATAAAAATAAACAGACCTCAAAAGTCAGAATCCTCAATCATGATGAATACAAA-3'